The following is an entry in ClinVar:

ClinVar aggregate classification (germline): Benign. Review status: criteria provided, multiple submitters, no conflicts (2 of 4 stars). 5 submissions from 5 submitters: Benign (4). 1 of the submissions does not count toward it. Last evaluated 2026-01-27.

Conditions:
STAT2-related disorder. Also called: STAT2-related condition.
Primary immunodeficiency with post-measles-mumps-rubella vaccine viral infection. Also called: Immunodeficiency 44. Identifiers: Orphanet 431166, MedGen C4225260, MONDO:0014715, OMIM 616636.

Allele frequency attached by ClinVar (database versions not stated): gnomAD exomes 0.00369; ExAC 0.00463; 1000 Genomes Project 0.01338; gnomAD 0.01501 and 0.01614; 1000 Genomes Project 30x 0.01515; ESP Exome Variant Server 0.01622; TOPMed 0.01622.
gnomAD v4.1: 4,318 of 1,613,946 alleles (0.27%); highest among the groups gnomAD compares: African/African-American, 5.1%; 82 homozygotes.

Submissions (5):

Labcorp Genetics (formerly Invitae), Labcorp
Classification: Benign for Primary immunodeficiency with post-measles-mumps-rubella vaccine viral infection. Last evaluated: 2026-01-27. Review status: criteria provided, single submitter. Criteria: Invitae Variant Classification Sherloc (09022015). Collection method: clinical testing. Allele origin: germline.

Women's Health and Genetics/Laboratory Corporation of America, LabCorp
Classification: Benign. Last evaluated: 2026-01-23. Review status: criteria provided, single submitter. Criteria: LabCorp Variant Classification Summary - May 2015. Collection method: clinical testing. Allele origin: germline.

Mayo Clinic Laboratories, Mayo Clinic
Classification: Benign. Last evaluated: 2025-05-17. Review status: criteria provided, single submitter. Criteria: ACMG Guidelines, 2015. Collection method: clinical testing. Allele origin: germline. Observed: 2 variant alleles.

Breakthrough Genomics
Classification: Benign. Review status: criteria provided, single submitter. Criteria: ACMG Guidelines, 2015. Collection method: not provided. Allele origin: germline. Inheritance: Autosomal recessive inheritance. Affected: yes.

PreventionGenetics, part of Exact Sciences
Classification: Benign for STAT2-related condition. Last evaluated: 2019-12-03. Review status: no assertion criteria provided. Collection method: clinical testing. Allele origin: germline. Not counted in ClinVar's aggregate classification.
Comment: This variant is classified as benign based on ACMG/AMP sequence variant interpretation guidelines (Richards et al. 2015 PMID: 25741868, with internal and published modifications).

NM_005419.4(STAT2):c.379T>C (p.Leu127=)

Gene: STAT2 (signal transducer and activator of transcription 2; minus strand). Cytogenetic location: 12q13.3.
Variant type: single nucleotide variant.
Coding change: c.379T>C on transcript NM_005419.4 (MANE Select); coding-DNA position 379, T replaced by C.
Protein change: p.Leu127=; no amino-acid change (leucine 127 retained).
Molecular consequence: synonymous variant.
Genome position (GRCh38, 1-based): chr12:56,355,710, A>G on the plus strand (T>C on the coding strand, the complement: STAT2 is on the minus strand). VCF-style: chr12-56355710-A-G. GRCh37 (hg19) VCF-style: chr12-56749494-A-G.
Other names: p.Leu127=; c.367T>C, p.Leu123= (NM_198332.2); c.379T>C, p.Leu127= (LRG_1329t1).
Identifiers: ClinVar variation 475693 (VCV000475693.17), dbSNP rs2066812, ClinGen allele CA6630893.
Genomic context (GRCh38, chr12:56,355,710, plus strand): 5'-TTTCCATGGTTCCTCTCTACTTCAGGAGTTTCCAACATTACCACTGAATTGTCCTCACCA[A>G]TTGGGCCCTCTGAGCCTGGATCAAAATTCTTTTTTCTTCCAGAAGGAGGTTAAAGATCAT-3'
Protein context (NP_005410.1, residues 117-137): RILIQAQRAQ[Leu127=]EQGEPVLETP